The following is an entry in ClinVar:

ClinVar aggregate classification (germline): Uncertain significance (1 of 4 stars; one submission).

Submission:

Institute for Clinical Genetics, University Hospital TU Dresden, University Hospital TU Dresden
Classification: Uncertain significance. Last evaluated: 2021-09-20. Review status: criteria provided, single submitter. Criteria: ACMG Guidelines, 2015. Collection method: clinical testing. Allele origin: germline.
Comment: PP4, PVS1_MOD, PM2_SUP

NM_000214.3(JAG1):c.3230T>G (p.Leu1077Ter)

Gene: JAG1 (jagged canonical Notch ligand 1; minus strand). Cytogenetic location: 20p12.2.
Variant type: single nucleotide variant.
Coding change: c.3230T>G on transcript NM_000214.3 (MANE Select); coding-DNA position 3230, T replaced by G.
Protein change: p.Leu1077Ter; replaces leucine 1077 with a stop codon.
Molecular consequence: nonsense.
Genome position (GRCh38, 1-based): chr20:10,639,925, A>C on the plus strand (T>G on the coding strand, the complement: JAG1 is on the minus strand). VCF-style: chr20-10639925-A-C. GRCh37 (hg19) VCF-style: chr20-10620573-A-C.
Other names: short protein forms L1077*.
Identifiers: ClinVar variation 2576124 (VCV002576124.1), dbSNP rs2514506725, ClinGen allele CA408243701.